The following is an entry in ClinVar:

ClinVar aggregate classification (germline): Benign (1 of 4 stars; one submission).

Allele frequency attached by ClinVar (database versions not stated): 1000 Genomes Project 30x 0.18067; 1000 Genomes Project 0.18191; gnomAD 0.22124 and 0.22218; TOPMed 0.22134.
gnomAD v4.1: 33,854 of 152,130 alleles (22%); highest among the groups gnomAD compares: Admixed American, 34%; 4,821 homozygotes.

Submission:

GeneDx
Classification: Benign. Last evaluated: 2018-06-14. Review status: criteria provided, single submitter. Criteria: GeneDx Variant Classification (06012015). Collection method: clinical testing. Allele origin: germline. Affected: yes.
Comment: This variant is considered likely benign or benign based on one or more of the following criteria: it is a conservative change, it occurs at a poorly conserved position in the protein, it is predicted to be benign by multiple in silico algorithms, and/or has population frequency not consistent with disease.

NM_020117.11(LARS1):c.1426-294T>C

Gene: LARS1 (leucyl-tRNA synthetase 1; minus strand). Cytogenetic location: 5q32.
Variant type: single nucleotide variant.
Coding change: c.1426-294T>C on transcript NM_020117.11 (MANE Select); 294 bases into the intron before coding-DNA position 1426, T replaced by C.
Molecular consequence: intron variant.
Genome position (GRCh38, 1-based): chr5:146,149,993, A>G on the plus strand (T>C on the coding strand, the complement: LARS1 is on the minus strand). VCF-style: chr5-146149993-A-G. GRCh37 (hg19) VCF-style: chr5-145529556-A-G.
Other names: c.1264-294T>C (NM_001317965.2); c.1345-294T>C (NM_016460.4); c.1288-294T>C (NM_001317964.2).
Identifiers: ClinVar variation 671245 (VCV000671245.1), dbSNP rs2292173, ClinGen allele CA12173874.
Genomic context (GRCh38, chr5:146,149,993, plus strand): 5'-ATACCTAGTGTGAGCATGATTAGGAAGGAATACTCACTTCCACTTCTTAAGTTTCCACAT[A>G]GACAGACTTCAATTACACTCACTCACCTCATTCCTGGTGGTTTCTGAAGGAACTAAGTAC-3'